The following is an entry in ClinVar:

NM_001199397.3(NEK1):c.1352A>G (p.Asp451Gly)

Gene: NEK1 (NIMA related kinase 1; minus strand). Cytogenetic location: 4q33.
Variant type: single nucleotide variant.
Coding change: c.1352A>G on transcript NM_001199397.3 (MANE Select); coding-DNA position 1352, A replaced by G.
Protein change: p.Asp451Gly; replaces aspartic acid 451 with glycine.
Molecular consequence: missense variant. On other transcripts: non-coding transcript variant (1).
Genome position (GRCh38, 1-based): chr4:169,556,010, T>C on the plus strand (A>G on the coding strand, the complement: NEK1 is on the minus strand). VCF-style: chr4-169556010-T-C. GRCh37 (hg19) VCF-style: chr4-170477161-T-C.
Other names: c.1352A>G, p.Asp451Gly (NM_001199398.3, NM_001199400.3, NM_001374418.1 and 2 more transcripts); c.1277A>G, p.Asp426Gly (NM_001199399.3); c.1301A>G, p.Asp434Gly (NM_001374420.1); c.1226A>G, p.Asp409Gly (NM_001374421.1); short protein forms D409G, D434G, D426G, D451G.
Identifiers: ClinVar variation 2860903 (VCV002860903.3), dbSNP rs999041139, ClinGen allele CA109927305.

ClinVar aggregate classification (germline): Uncertain significance (1 of 4 stars; one submission).

Conditions:
Short-rib thoracic dysplasia 6 with or without polydactyly (SRTD6). Also called: POLYDACTYLY WITH NEONATAL CHONDRODYSTROPHY, TYPE II; SHORT RIB-POLYDACTYLY SYNDROME, TYPE IIA; Majewski Syndrome; SHORT-RIB THORACIC DYSPLASIA 6 WITH POLYDACTYLY; SHORT-RIB THORACIC DYSPLASIA 6 WITHOUT POLYDACTYLY. Identifiers: MedGen C0024507, MONDO:0009894, OMIM 263520.

Allele frequency attached by ClinVar (database versions not stated): TOPMed below 0.00001.

Submission:

Labcorp Genetics (formerly Invitae), Labcorp
Classification: Uncertain significance for Short-rib thoracic dysplasia 6 with or without polydactyly. Last evaluated: 2023-04-30. Review status: criteria provided, single submitter. Criteria: Invitae Variant Classification Sherloc (09022015). Collection method: clinical testing. Allele origin: germline.
Comment: In summary, the available evidence is currently insufficient to determine the role of this variant in disease. Therefore, it has been classified as a Variant of Uncertain Significance. Advanced modeling of protein sequence and biophysical properties (such as structural, functional, and spatial information, amino acid conservation, physicochemical variation, residue mobility, and thermodynamic stability) performed at Invitae indicates that this missense variant is not expected to disrupt NEK1 protein function. This variant has not been reported in the literature in individuals affected with NEK1-related conditions. This variant is not present in population databases (gnomAD no frequency). This sequence change replaces aspartic acid, which is acidic and polar, with glycine, which is neutral and non-polar, at codon 451 of the NEK1 protein (p.Asp451Gly).